The following is an entry in ClinVar:

ClinVar aggregate classification (germline): Uncertain significance (1 of 4 stars; one submission).

Submission:

Labcorp Genetics (formerly Invitae), Labcorp
Classification: Uncertain significance. Last evaluated: 2025-08-11. Review status: criteria provided, single submitter. Criteria: Invitae Variant Classification Sherloc (09022015). Collection method: clinical testing. Allele origin: germline.
Comment: This sequence change replaces phenylalanine, which is neutral and non-polar, with cysteine, which is neutral and slightly polar, at codon 320 of the POLE protein (p.Phe320Cys). This variant is not present in population databases (gnomAD no frequency). This variant has not been reported in the literature in individuals affected with POLE-related conditions. ClinVar contains an entry for this variant (Variation ID: 1474117). Invitae Evidence Modeling of protein sequence and biophysical properties (such as structural, functional, and spatial information, amino acid conservation, physicochemical variation, residue mobility, and thermodynamic stability) indicates that this missense variant is expected to disrupt POLE protein function with a positive predictive value of 80%. In summary, the available evidence is currently insufficient to determine the role of this variant in disease. Therefore, it has been classified as a Variant of Uncertain Significance.

NM_006231.4(POLE):c.959T>G (p.Phe320Cys)

Gene: POLE (DNA polymerase epsilon, catalytic subunit; minus strand). Cytogenetic location: 12q24.33.
Variant type: single nucleotide variant.
Coding change: c.959T>G on transcript NM_006231.4 (MANE Select); coding-DNA position 959, T replaced by G.
Protein change: p.Phe320Cys; replaces phenylalanine 320 with cysteine.
Molecular consequence: missense variant.
Genome position (GRCh38, 1-based): chr12:132,676,155, A>C on the plus strand (T>G on the coding strand, the complement: POLE is on the minus strand). VCF-style: chr12-132676155-A-C. GRCh37 (hg19) VCF-style: chr12-133252741-A-C.
Other names: short protein forms F320C.
Identifiers: ClinVar variation 1474117 (VCV001474117.8), dbSNP rs2136013862, ClinGen allele CA387363747.